The following is an entry in ClinVar:

NM_007357.3(COG2):c.1301T>C (p.Met434Thr)

Gene: COG2 (component of oligomeric golgi complex 2; plus strand). Cytogenetic location: 1q42.2.
Variant type: single nucleotide variant.
Coding change: c.1301T>C on transcript NM_007357.3 (MANE Select); coding-DNA position 1301, T replaced by C.
Protein change: p.Met434Thr; replaces methionine 434 with threonine.
Molecular consequence: missense variant.
Genome position (GRCh38, 1-based): chr1:230,685,157, T>C. VCF-style: chr1-230685157-T-C. GRCh37 (hg19) VCF-style: chr1-230820903-T-C.
Other names: c.1301T>C, p.Met434Thr (NM_001145036.2); short protein forms M434T.
Identifiers: ClinVar variation 1959196 (VCV001959196.5), dbSNP rs2527661476, ClinGen allele CA345207934.

ClinVar aggregate classification (germline): Uncertain significance (1 of 4 stars; one submission).

Conditions:
Congenital disorder of glycosylation, type IIq. Also called: CDG IIq. Identifiers: Orphanet 435934, MedGen C4479353, MONDO:0054559, OMIM 617395.

Submission:

Labcorp Genetics (formerly Invitae), Labcorp
Classification: Uncertain significance for Congenital disorder of glycosylation, type IIq. Last evaluated: 2022-05-09. Review status: criteria provided, single submitter. Criteria: Invitae Variant Classification Sherloc (09022015). Collection method: clinical testing. Allele origin: germline.
Comment: In summary, the available evidence is currently insufficient to determine the role of this variant in disease. Therefore, it has been classified as a Variant of Uncertain Significance. Algorithms developed to predict the effect of missense changes on protein structure and function are either unavailable or do not agree on the potential impact of this missense change (SIFT: "Tolerated"; PolyPhen-2: "Benign"; Align-GVGD: "Class C25"). This variant has not been reported in the literature in individuals affected with COG2-related conditions. This variant is not present in population databases (gnomAD no frequency). This sequence change replaces methionine, which is neutral and non-polar, with threonine, which is neutral and polar, at codon 434 of the COG2 protein (p.Met434Thr).